The following is an entry in ClinVar:

NM_152393.4(KLHL40):c.1552G>T (p.Val518Phe)

Gene: KLHL40 (kelch like family member 40; plus strand). Cytogenetic location: 3p22.1.
Variant type: single nucleotide variant.
Coding change: c.1552G>T on transcript NM_152393.4 (MANE Select); coding-DNA position 1552, G replaced by T.
Protein change: p.Val518Phe; replaces valine 518 with phenylalanine.
Molecular consequence: missense variant.
Genome position (GRCh38, 1-based): chr3:42,688,999, G>T. VCF-style: chr3-42688999-G-T. GRCh37 (hg19) VCF-style: chr3-42730491-G-T.
Other names: short protein forms V518F.
Identifiers: ClinVar variation 1514006 (VCV001514006.8), dbSNP rs1697321354, ClinGen allele CA352294871.
Genomic context (GRCh38, chr3:42,688,999, plus strand): 5'-ACCGCCCGCTCACTCTTTGGGGCCACTGTCCATGATGGCCGCATTATCGTGGCAGCTGGG[G>T]TCACCGACACAGGGCTGACCAGTTCTGCCGAAGTGTACAGCATCACAGACAACAAGTATG-3'
Protein context (NP_689606.2, residues 508-528): HDGRIIVAAG[Val518Phe]TDTGLTSSAE

ClinVar aggregate classification (germline): Uncertain significance (1 of 4 stars; one submission).

Conditions:
Nemaline myopathy 8 (NEM8). Also called: Nemaline myopathy 8, autosomal recessive. Identifiers: Orphanet 171430, MedGen C3809209, MONDO:0014138, OMIM 615348.

gnomAD v4.1: 2 of 1,614,180 alleles (0.00012%); highest among the groups gnomAD compares: Non-Finnish European, 0.00017%; no homozygotes.

Submission:

Labcorp Genetics (formerly Invitae), Labcorp
Classification: Uncertain significance for Nemaline myopathy 8. Last evaluated: 2021-05-30. Review status: criteria provided, single submitter. Criteria: Invitae Variant Classification Sherloc (09022015). Collection method: clinical testing. Allele origin: germline.
Comment: This sequence change replaces valine with phenylalanine at codon 518 of the KLHL40 protein (p.Val518Phe). The valine residue is moderately conserved and there is a small physicochemical difference between valine and phenylalanine. In summary, the available evidence is currently insufficient to determine the role of this variant in disease. Therefore, it has been classified as a Variant of Uncertain Significance. Algorithms developed to predict the effect of missense changes on protein structure and function are either unavailable or do not agree on the potential impact of this missense change (SIFT: "Deleterious"; PolyPhen-2: "Possibly Damaging"; Align-GVGD: "Class C0"). This variant has not been reported in the literature in individuals with KLHL40-related conditions. This variant is not present in population databases (ExAC no frequency).